The following is an entry in ClinVar:

ClinVar aggregate classification (germline): Uncertain significance (1 of 4 stars; one submission).

Conditions:
Emery-Dreifuss muscular dystrophy 4, autosomal dominant (EDMD4). Also called: EMERY-DREIFUSS MUSCULAR DYSTROPHY 4 WITH VARIABLE FEATURES. Identifiers: Orphanet 261, MedGen C2751807, MONDO:0013071, OMIM 612998.
Autosomal recessive ataxia, Beauce type. Also called: Spinocerebellar ataxia, autosomal recessive 8; ATAXIA, RECESSIVE, OF BEAUCE; SYNE1 Deficiency; SYNE1-Related Autosomal Recessive Cerebellar Ataxia. Identifiers: Orphanet 88644, MedGen C1853116, MONDO:0012549, OMIM 610743.

Allele frequency attached by ClinVar (database versions not stated): TOPMed 0.00001.

Submission:

Labcorp Genetics (formerly Invitae), Labcorp
Classification: Uncertain significance for Emery-Dreifuss muscular dystrophy 4, autosomal dominant; Autosomal recessive ataxia, Beauce type. Last evaluated: 2024-02-17. Review status: criteria provided, single submitter. Criteria: Invitae Variant Classification Sherloc (09022015). Collection method: clinical testing. Allele origin: germline.
Comment: This sequence change replaces valine, which is neutral and non-polar, with methionine, which is neutral and non-polar, at codon 5618 of the SYNE1 protein (p.Val5618Met). This variant is not present in population databases (gnomAD no frequency). This variant has not been reported in the literature in individuals affected with SYNE1-related conditions. ClinVar contains an entry for this variant (Variation ID: 1513295). Algorithms developed to predict the effect of missense changes on protein structure and function output the following: SIFT: "Not Available"; PolyPhen-2: "Possibly Damaging"; Align-GVGD: "Not Available". The methionine amino acid residue is found in multiple mammalian species, which suggests that this missense change does not adversely affect protein function. In summary, the available evidence is currently insufficient to determine the role of this variant in disease. Therefore, it has been classified as a Variant of Uncertain Significance.

NM_182961.4(SYNE1):c.17065G>A (p.Val5689Met)

Genes: SYNE1 (spectrin repeat containing nuclear envelope protein 1; minus strand), LOC126859837 (BRD4-independent group 4 enhancer GRCh37_chr6:152630775-152631974; plus strand). Cytogenetic location: 6q25.2.
Variant type: single nucleotide variant.
Coding change: c.17065G>A on transcript NM_182961.4 (MANE Select); coding-DNA position 17065, G replaced by A.
Protein change: p.Val5689Met; replaces valine 5689 with methionine.
Molecular consequence: missense variant.
Genome position (GRCh38, 1-based): chr6:152,309,972, C>T on the plus strand (G>A on the coding strand, the complement: SYNE1 is on the minus strand). VCF-style: chr6-152309972-C-T. GRCh37 (hg19) VCF-style: chr6-152631107-C-T.
Other names: c.16852G>A, p.Val5618Met (NM_033071.5); short protein forms V5618M, V5689M.
Identifiers: ClinVar variation 1513295 (VCV001513295.6), dbSNP rs1479722158, ClinGen allele CA366107086.